The following is an entry in ClinVar:

ClinVar aggregate classification (germline): Uncertain significance (1 of 4 stars; one submission).

Conditions:
RYR1-related disorder. Also called: RYR1-related condition; RYR1-related disorders. Identifiers: MedGen CN239331.

Submission:

Labcorp Genetics (formerly Invitae), Labcorp
Classification: Uncertain significance for RYR1-related disorder. Last evaluated: 2022-11-01. Review status: criteria provided, single submitter. Criteria: Invitae Variant Classification Sherloc (09022015). Collection method: clinical testing. Allele origin: germline.
Comment: This sequence change replaces proline, which is neutral and non-polar, with leucine, which is neutral and non-polar, at codon 2859 of the RYR1 protein (p.Pro2859Leu). This variant is not present in population databases (gnomAD no frequency). This variant has not been reported in the literature in individuals affected with RYR1-related conditions. ClinVar contains an entry for this variant (Variation ID: 1447524). Advanced modeling of protein sequence and biophysical properties (such as structural, functional, and spatial information, amino acid conservation, physicochemical variation, residue mobility, and thermodynamic stability) performed at Invitae indicates that this missense variant is expected to disrupt RYR1 protein function. In summary, the available evidence is currently insufficient to determine the role of this variant in disease. Therefore, it has been classified as a Variant of Uncertain Significance.

NM_000540.3(RYR1):c.8576C>T (p.Pro2859Leu)

Genes: RYR1 (ryanodine receptor 1; plus strand), LOC126862902 (BRD4-independent group 4 enhancer GRCh37_chr19:38995830-38997029; plus strand). Cytogenetic location: 19q13.2.
Variant type: single nucleotide variant.
Coding change: c.8576C>T on transcript NM_000540.3 (MANE Select); coding-DNA position 8576, C replaced by T.
Protein change: p.Pro2859Leu; replaces proline 2859 with leucine.
Molecular consequence: missense variant.
Genome position (GRCh38, 1-based): chr19:38,506,337, C>T. VCF-style: chr19-38506337-C-T. GRCh37 (hg19) VCF-style: chr19-38996977-C-T.
Other names: c.8576C>T, p.Pro2859Leu (NM_001042723.2); short protein forms P2859L.
Identifiers: ClinVar variation 1447524 (VCV001447524.6), dbSNP rs2145635843, ClinGen allele CA083394.
Genomic context (GRCh38, chr19:38,506,337, plus strand): 5'-CTCCCATCTTCCCCTTGTCCTCTCAGACCTATGATCCTCGAGAAGGCTACAACCCTCAGC[C>T]CCCCGACCTTAGTGCTGTTACCCTGTCCCGGGAGCTGCAGGTGAGAGCCCTGATCCTTTT-3'
Protein context (NP_000531.2, residues 2849-2869): YDPREGYNPQ[Pro2859Leu]PDLSAVTLSR